The following is an entry in ClinVar:

ClinVar aggregate classification (germline): Pathogenic. Review status: reviewed by expert panel (3 of 4 stars). 9 submissions from 9 submitters: Pathogenic (1). 8 of the submissions do not count toward it. Last evaluated 2021-09-30.

Conditions:
Glycogen storage disease, type II (IOPD). Also called: POMPE DISEASE, INFANTILE-ONSET; GLYCOGEN STORAGE DISEASE II, INFANTILE-ONSET; ACID ALPHA-GLUCOSIDASE DEFICIENCY, INFANTILE-ONSET; GAA DEFICIENCY, INFANTILE-ONSET; ACID MALTASE DEFICIENCY, INFANTILE-ONSET; Glucosidase acid-1,4-alpha deficiency. Identifiers: Orphanet 365, MedGen C0017921, MONDO:0009290, OMIM 232300.

Allele frequency attached by ClinVar (database versions not stated): gnomAD exomes below 0.00001 and 0.00002; ExAC 0.00001; TOPMed 0.00001; gnomAD 0.00002.
gnomAD v4.1: 39 of 1,612,874 alleles (0.0024%); highest among the groups gnomAD compares: East Asian, 0.013%; no homozygotes.

Submissions 1 to 7 of 9:

ClinGen Lysosomal Storage Disorder Variant Curation Expert Panel
Classification: Pathogenic for Glycogen storage disease, type II. Last evaluated: 2021-09-30. Review status: reviewed by expert panel. Criteria: clingen_lsd_acmg_specifications_v2-1. Collection method: curation. Allele origin: germline. Inheritance: Autosomal recessive inheritance.
Comment: The NM_000152.5:c.1798C>T variant in GAA is a missense variant predicted to cause substitution of arginine by cysteine at amino acid 600 (p.Arg600Cys). At least 15 patients with Pompe disease have been reported with this variant. Of these patients, at least 8 have documented laboratory values showing GAA deficiency, some of whom also have documentation of symptoms consistent with infantile onset Pompe disease, and/or on enzyme replacement therapy, meeting the ClinGen LSD VCEP’s specifications for PP4_Moderate (PMID 14695532, 18458862, 19609281, 21984055, 24384324, 26497565, 29124014) (PP4_Moderate). Additional patients were reported to be on enzyme replacement therapy, without GAA activity values provided, meeting PP4 (PMID 20202878), and others were reported to have Pompe disease but did not have sufficient data for PP4 to be applied (PMID 11053688, 14643388, 26253708, 27417441, 29124014). The patients with Pompe disease and this variant include three patients who are compound heterozygous for the variant and a pathogenic variant in GAA, either c.525delT (PMID 14695532; phase unknown), or c.546G>T (PMID 20202878, 21984055; phase unknown in both cases), and one homozygote (PMID 11053688)(PM3_Strong). The variant was also reported to be in cis with c.199G>A (p.Asp67Asn) and in trans with c.546G>T in one patient; this data was not counted for PM3 due to the presence of the in cis variant, which is rare and has not yet been assessed by the LSD VCEP (PMID 19609281). In addition, the variant was found in compound heterozygosity with the following variants; the allelic data for the following patients will be used in the assessment of the second variant and is not included here to avoid circular logic - c.871C>T (p.Leu291Phe)(PMID 26253708, 27417441), c.872T>C (p.Leu291Pro)(PMID 18458862), c.1211A>G (p.Asp404Gly)(PMID 24384324), c.1309C>T (p.Arg437Cys)(PMID 29124014), c.1316T>A (p.Met439Lys)(PMID 20202878), c.1857C>G (p.Ser619Arg)(PMID 29124014), c.1979G>A (p.Arg660His)(PMID 14643388), c.2105G>T (p.Arg702Leu)(PMID 26497565), c.2481+1G>A (PMID 29124014). The highest population minor allele frequency in gnomAD v2.1.1 is 0.00003 in the South Asian population, which is lower than the ClinGen LSD VCEP’s threshold for PM2_Supporting (<0.001), meeting this criterion (PM2_Supporting). This variant alters an amino acid, Arg600, that has been deduced to be important in the active site architecture of GAA, based on the crystal structure of native and recombinant GAA (PMID: 29061980; DOI 10.1101/212837)(PM1). Indeed, when expressed in either COS cells or GAA-deficient SV40 immortalized fibroblasts, the variant had <1% wild type GAA activity, and Western blot showed abnormal synthesis and processing of the enzyme (PMID 11053688, 14695532) (PS3_Moderate). The computational predictor REVEL gives a score of 0.915 which is above the threshold of 0.7, evidence that correlates with impact to GAA function (PP3). Three additional missense changes in the same codon have been reported in patients with Pompe disease; c.1799G>A (p.Arg600His) is pathogenic based on assessment by the ClinGen LSD VCEP (PM5); c.1799G>C (p.Arg600Pro) and c.1799G>T (p.Arg600Leu) have also been reported. There is a ClinVar entry for this variant (Variant ID 640911; 2 star review status) with three submitters classifying the variant as pathogenic. In summary, this variant meets the criteria to be classified as pathogenic for Pompe disease. GAA-specific ACMG/AMP criteria met, as specified by the ClinGen LSD VCEP (Specifications Version 2.0): PM1, PM5, PP3, PS3_Moderate, PM3_Strong, PM2_Supporting, PP4_Moderate.

Genomenon, Inc
Classification: Pathogenic for Glycogen storage disease, type II. Last evaluated: 2026-07-01. Review status: criteria provided, single submitter. Criteria: Genomenon Sequence Variant Interpretation Standards - Updated. Collection method: curation. Allele origin: germline. Affected: yes. Not counted in ClinVar's aggregate classification.
Comment: GAA p.Arg600Cys (c.1798C>T) is a missense variant that changes the amino acid at codon 600 from Arginine to Cysteine. This variant has been observed in at least one proband with a GAA-related disorder in the compound heterozygous and/or homozygous state (PMID:39835171;38043017;37087815;36105079;36074069;34922579;33168984;27417441;26497565;29124014). At least one functional study has demonstrated a substantial alteration in protein function relative to the wild-type (PMID:33560568;14695532;19862843). The variant is located in a mutational hotspot and/or important functional domain. It is absent or not present at a significant frequency in gnomAD. In silico models predict that this variant is possibly or probably damaging. In conclusion, we classify GAA p.Arg600Cys (c.1798C>T) as a pathogenic variant.

Labcorp Genetics (formerly Invitae), Labcorp
Classification: Pathogenic for Glycogen storage disease, type II. Last evaluated: 2025-12-23. Review status: criteria provided, single submitter. Criteria: Invitae Variant Classification Sherloc (09022015). Collection method: clinical testing. Allele origin: germline. Not counted in ClinVar's aggregate classification.
Comment: This sequence change replaces arginine, which is basic and polar, with cysteine, which is neutral and slightly polar, at codon 600 of the GAA protein (p.Arg600Cys). This variant is present in population databases (rs764670084, gnomAD 0.003%). This missense change has been observed in individual(s) with Pompe disease (PMID: 11053688, 20202878, 25213570, 27344650, 29044175, 29124014). ClinVar contains an entry for this variant (Variation ID: 640911). Invitae Evidence Modeling of protein sequence and biophysical properties (such as structural, functional, and spatial information, amino acid conservation, physicochemical variation, residue mobility, and thermodynamic stability) indicates that this missense variant is expected to disrupt GAA protein function with a positive predictive value of 95%. Experimental studies have shown that this missense change affects GAA function (PMID: 11053688). For these reasons, this variant has been classified as Pathogenic.

GeneDx
Classification: Pathogenic. Last evaluated: 2025-01-03. Review status: criteria provided, single submitter. Criteria: GeneDx Variant Classification Process June 2021. Collection method: clinical testing. Allele origin: germline. Not counted in ClinVar's aggregate classification.
Comment: Not observed at significant frequency in large population cohorts (gnomAD); In silico analysis supports that this missense variant has a deleterious effect on protein structure/function; This variant is associated with the following publications: (PMID: 31254424, 20202878, 27344650, 36105079, 37937776, 14695532, 24169249, 19343043, 22253258, 25973016, 14643388, 18458862, 24384324, 26497565, 29122469, 29124014, 33560568, 29044175, 19609281, 11053688, 25213570, 21982629, 34530085, 17805474)

Revvity Omics, Revvity
Classification: Pathogenic. Last evaluated: 2024-08-12. Review status: criteria provided, single submitter. Criteria: ACMG Guidelines, 2015. Collection method: clinical testing. Allele origin: germline. Not counted in ClinVar's aggregate classification.

Dasa
Classification: Pathogenic for Glycogen storage disease, type II. Last evaluated: 2022-01-05. Review status: criteria provided, single submitter. Criteria: ACMG Guidelines, 2015. Collection method: clinical testing. Allele origin: germline. Affected: yes. Observed: 1 variant allele. Not counted in ClinVar's aggregate classification.
Comment: The c.1798C>T;p.(Arg600Cys) missense variant has been observed in affected individual(s) and ClinVar contains an entry for this variant (ClinVar ID: 640911; PMID: 29124014; 11053688; 20202878; 25213570; 27344650; 29044175) - PS4. Well-established in vitro or in vivo functional studies support a damaging effect on the gene or gene product (PMID: 11053688, 14695532) - PS3_moderate. The variant is present at low allele frequencies population databases (rs764670084– gnomAD 0.0001971%; ABraOM no frequency) - PM2_supporting. Multiple lines of computational evidence support a deleterious effect on the gene or gene product - PP3. In summary, the currently available evidence indicates that the variant is pathogenic.

Women's Health and Genetics/Laboratory Corporation of America, LabCorp
Classification: Pathogenic for Glycogen storage disease, type II. Last evaluated: 2021-07-05. Review status: criteria provided, single submitter. Criteria: LabCorp Variant Classification Summary - May 2015. Collection method: clinical testing. Allele origin: germline. Not counted in ClinVar's aggregate classification.
Comment: Variant summary: GAA c.1798C>T (p.Arg600Cys) results in a non-conservative amino acid change in the encoded protein sequence. Five of five in-silico tools predict a damaging effect of the variant on protein function. The variant allele was found at a frequency of 4e-06 in 248436 control chromosomes. c.1798C>T has been reported in the literature in multiple individuals affected with Glycogen Storage Disease, Type 2 (Pompe Disease) (e.g. Tsujino_2000, Hermans_2004). These data indicate that the variant is very likely to be associated with disease. Several publications report experimental evidence evaluating an impact on protein function. The most pronounced variant effect results in <10% of normal activity (e.g. Tsujino_200, Hermans_2004). Two other clinical diagnostic laboratories have submitted clinical-significance assessments for this variant to ClinVar after 2014 without evidence for independent evaluation. Both laboratories cited the variant as pathogenic. Based on the evidence outlined above, the variant was classified as pathogenic.

NM_000152.5(GAA):c.1798C>T (p.Arg600Cys)

Gene: GAA (alpha glucosidase; plus strand). Cytogenetic location: 17q25.3.
Variant type: single nucleotide variant.
Coding change: c.1798C>T on transcript NM_000152.5 (MANE Select); coding-DNA position 1798, C replaced by T.
Protein change: p.Arg600Cys; replaces arginine 600 with cysteine.
Molecular consequence: missense variant.
Genome position (GRCh38, 1-based): chr17:80,112,621, C>T. VCF-style: chr17-80112621-C-T. GRCh37 (hg19) VCF-style: chr17-78086420-C-T.
Other names: NM_000152.5(GAA):c.1798C>T; p.Arg600Cys; c.1798C>T (LRG_673t1); c.1798C>T, p.Arg600Cys (NM_001079803.3, NM_001079804.3); short protein forms R600C.
Identifiers: ClinVar variation 640911 (VCV000640911.31), dbSNP rs764670084, ClinGen allele CA8815481.